The following is an entry in ClinVar:

NM_005228.5(EGFR):c.737G>A (p.Ser246Asn)

Gene: EGFR (epidermal growth factor receptor; plus strand). Cytogenetic location: 7p11.2.
Variant type: single nucleotide variant.
Coding change: c.737G>A on transcript NM_005228.5 (MANE Select); coding-DNA position 737, G replaced by A.
Protein change: p.Ser246Asn; replaces serine 246 with asparagine.
Molecular consequence: missense variant. On other transcripts: intron variant (1).
Genome position (GRCh38, 1-based): chr7:55,152,654, G>A. VCF-style: chr7-55152654-G-A. GRCh37 (hg19) VCF-style: chr7-55220347-G-A.
Other names: c.602G>A, p.Ser201Asn (NM_001346897.2, NM_001346899.2); c.737G>A, p.Ser246Asn (NM_001346898.2, NM_201282.2, NM_201283.2 and 1 more transcripts); c.578G>A, p.Ser193Asn (NM_001346900.2); c.89-3176G>A (NM_001346941.2); short protein forms S246N, S201N, S193N.
Identifiers: ClinVar variation 1482916 (VCV001482916.6), dbSNP rs2128933894, ClinGen allele CA367577550.

ClinVar aggregate classification (germline): Uncertain significance (1 of 4 stars; one submission).

Conditions:
EGFR-related lung cancer (EGFR). Identifiers: MedGen CN130014.

Submission:

Labcorp Genetics (formerly Invitae), Labcorp
Classification: Uncertain significance for EGFR-related lung cancer. Last evaluated: 2025-03-13. Review status: criteria provided, single submitter. Criteria: Invitae Variant Classification Sherloc (09022015). Collection method: clinical testing. Allele origin: germline.
Comment: This sequence change replaces serine, which is neutral and polar, with asparagine, which is neutral and polar, at codon 246 of the EGFR protein (p.Ser246Asn). This variant is not present in population databases (gnomAD no frequency). This variant has not been reported in the literature in individuals affected with EGFR-related conditions. ClinVar contains an entry for this variant (Variation ID: 1482916). Invitae Evidence Modeling of protein sequence and biophysical properties (such as structural, functional, and spatial information, amino acid conservation, physicochemical variation, residue mobility, and thermodynamic stability) indicates that this missense variant is not expected to disrupt EGFR protein function with a negative predictive value of 80%. In summary, the available evidence is currently insufficient to determine the role of this variant in disease. Therefore, it has been classified as a Variant of Uncertain Significance.